The following is an entry in ClinVar:

ClinVar aggregate classification (germline): Uncertain significance (1 of 4 stars; one submission).

gnomAD v4.1: 9 of 1,605,398 alleles (0.00056%); highest among the groups gnomAD compares: Non-Finnish European, 0.00077%; no homozygotes.

Submission:

Ambry Genetics
Classification: Uncertain significance. Last evaluated: 2025-04-15. Review status: criteria provided, single submitter. Criteria: Ambry Variant Classification Scheme 2023. Collection method: clinical testing. Allele origin: germline.
Comment: The c.1047G>A variant (also known as p.K349K), located in coding exon 10 of the RAD51B gene, results from a G to A substitution at nucleotide position 1047. This nucleotide substitution does not change the lysine at codon 349. This nucleotide position is well conserved in available vertebrate species. In silico splice site analysis for this alteration is inconclusive. The evidence for this gene-disease relationship is limited; therefore, the clinical significance of this alteration is unclear.

NM_133510.4(RAD51B):c.1047G>A (p.Lys349=)

Gene: RAD51B (RAD51 paralog B; plus strand). Cytogenetic location: 14q24.1.
Variant type: single nucleotide variant.
Coding change: c.1047G>A on transcript NM_133510.4 (MANE Select); coding-DNA position 1047, G replaced by A.
Protein change: p.Lys349=; no amino-acid change (lysine 349 retained).
Molecular consequence: synonymous variant. On other transcripts: intron variant (9).
Genome position (GRCh38, 1-based): chr14:68,477,658, G>A. VCF-style: chr14-68477658-G-A. GRCh37 (hg19) VCF-style: chr14-68944375-G-A.
Other names: c.690G>A, p.Lys230= (NM_001321817.2); c.1036+9408G>A (NM_001321818.2, NM_001321809.2, NM_001321821.2 and 5 more transcripts); c.922+9408G>A (NM_001321815.1).
Identifiers: ClinVar variation 3942250 (VCV003942250.1).
Genomic context (GRCh38, chr14:68,477,658, plus strand): 5'-ATAACAATTTTTTTTTTTCAAACTTTCTCTTTTTTTTTTTTTTCCTTTAGGCCAAGAGAA[G>A]CCATAGGGATACTGTGACCTTTGTCTAGAGTTGATGGGGGTGTGATTTGTGAAATAAAAC-3'
Protein context (NP_598194.1, residues 339-350): EEGLVLQGQE[Lys349=]P